The following is an entry in ClinVar:

NM_000143.4(FH):c.268-2A>G

Gene: FH (fumarate hydratase; minus strand). Cytogenetic location: 1q43.
Variant type: single nucleotide variant.
Coding change: c.268-2A>G on transcript NM_000143.4 (MANE Select); the canonical splice acceptor site of the intron before coding-DNA position 268, A replaced by G.
Molecular consequence: splice acceptor variant.
Genome position (GRCh38, 1-based): chr1:241,513,715, T>C on the plus strand (A>G on the coding strand, the complement: FH is on the minus strand). VCF-style: chr1-241513715-T-C. GRCh37 (hg19) VCF-style: chr1-241677015-T-C.
Identifiers: ClinVar variation 419237 (VCV000419237.22), dbSNP rs1064793741, ClinGen allele CA16617119.

ClinVar aggregate classification (germline): Conflicting classifications of pathogenicity. Review status: criteria provided, conflicting classifications (1 of 4 stars). 7 submissions from 7 submitters: Pathogenic (2); Likely pathogenic (4); Uncertain significance (1). Last evaluated 2025-06-09.

Conditions:
Hereditary leiomyomatosis and renal cell cancer. Also called: MULTIPLE CUTANEOUS AND UTERINE LEIOMYOMATA 1, WITH OR WITHOUT RENAL CELL CARCINOMA; Familial leiomyomatosis; LEIOMYOMA, MULTIPLE CUTANEOUS; FH tumor predisposition syndrome; Multiple cutaneous leiomyomas; Reed syndrome. Identifiers: Orphanet 523, MedGen C1708350, MONDO:0007888, OMIM 150800, HP:0007437. Disease mechanism: loss of function.
Hereditary cancer-predisposing syndrome. Also called: Neoplastic Syndromes, Hereditary; Hereditary Cancer Syndrome; Hereditary neoplastic syndrome; Tumor predisposition. Identifiers: Orphanet 140162, MedGen C0027672, MeSH D009386, MONDO:0015356.
Fumarase deficiency (FMRD). Also called: Fumaric aciduria; Fumarate Hydratase Deficiency. Identifiers: Orphanet 24, MedGen C0342770, MONDO:0011730, OMIM 606812.

Allele frequency attached by ClinVar (database versions not stated): gnomAD exomes below 0.00001.
gnomAD v4.1: 4 of 1,610,706 alleles (0.00025%); highest among the groups gnomAD compares: Non-Finnish European, 0.00034%; no homozygotes.

Submissions (7):

Ambry Genetics
Classification: Uncertain significance for Hereditary cancer-predisposing syndrome. Last evaluated: 2025-06-09. Review status: criteria provided, single submitter. Criteria: Ambry Variant Classification Scheme 2023. Collection method: clinical testing. Allele origin: germline.
Comment: The c.268-2A>G intronic variant results from an A to G substitution two nucleotides upstream from coding exon 3 in the FH gene. This alteration has been observed in an HLRCC cohort (Muller M et al. Clin Genet, 2017 Dec;92:606-615). This variant was identified in individuals with a pheochromocytoma and/or paraganglioma (Castro-Vega LJ et al. Hum Mol Genet, 2014 May;23:2440-6; Parisien-La Salle, S et al. Clin Endocrinol (Oxf) 2022 Jun;96(6):803-811). This variant has also been detected in multiple individuals with no reported features of hereditary leiomyomatosis and renal cell cancer syndrome (Ambry internal data; Personal communication). This nucleotide position is highly conserved in available vertebrate species. In silico splice site analysis predicts that this alteration will weaken the native splice acceptor site and will result in the creation or strengthening of a novel splice acceptor site; however, direct evidence is insufficient at this time (Ambry internal data). Since supporting evidence is conflicting at this time, the clinical significance of this alteration remains unclear.

Quest Diagnostics Nichols Institute San Juan Capistrano
Classification: Likely pathogenic. Last evaluated: 2025-03-26. Review status: criteria provided, single submitter. Criteria: Quest Diagnostics criteria. Collection method: clinical testing. Allele origin: unknown.
Comment: The FH c.268-2A>G variant disrupts a canonical splice-acceptor site and is predicted to interfere with normal FH mRNA splicing. This variant has been reported in the published literature in patients with hereditary leiomyomatosis and renal cell carcinoma (PMID: 28300276 (2017)), as well as in individuals with pheochromoytomas and paragangliomas (PMIDs: 24334767 (2014), 34750850 (2022)). Of note, this variant has also been reported in compound heterozygosity with an FH missense variant in a patient with fumarate hydratase deficiency (PMID: 12761039 (2003)). This variant has not been reported in large, multi-ethnic general populations (Genome Aggregation Database). Based on the available information, this variant is classified as likely pathogenic.

Labcorp Genetics (formerly Invitae), Labcorp
Classification: Pathogenic. Last evaluated: 2025-03-15. Review status: criteria provided, single submitter. Criteria: Invitae Variant Classification Sherloc (09022015). Collection method: clinical testing. Allele origin: germline.
Comment: This sequence change affects an acceptor splice site in intron 2 of the FH gene. It is expected to disrupt RNA splicing. Variants that disrupt the donor or acceptor splice site typically lead to a loss of protein function (PMID: 16199547), and loss-of-function variants in FH are known to be pathogenic (PMID: 11865300, 21398687). This variant is not present in population databases (gnomAD no frequency). Disruption of this splice site has been observed in individual(s) with autosomal recessive fumarate hydratase deficiency or autosomal dominant hereditary leiomyomatosis and renal cell cancer, and paraganglioma-pheochromocytoma syndrome (PMID: 12761039, 24334767, 28300276). This variant is also known as "2-splice exon2". ClinVar contains an entry for this variant (Variation ID: 419237). Algorithms developed to predict the effect of sequence changes on RNA splicing suggest that this variant may disrupt the consensus splice site. For these reasons, this variant has been classified as Pathogenic.

ARUP Laboratories, Molecular Genetics and Genomics, ARUP Laboratories
Classification: Likely pathogenic. Last evaluated: 2025-02-19. Review status: criteria provided, single submitter. Criteria: ARUP Molecular Germline Variant Investigation Process 2024. Collection method: clinical testing. Allele origin: germline.
Comment: The FH c.268-2A>G variant (rs1064793741, ClinVar Variation ID 419237) is reported in the literature in individuals affected with pheochromocytoma and paraganglioma (PCC/PGL), or hereditary leiomyomatosis and renal cell carcinoma (HLRCC) (Alam 2003, Castro-Vega 2014, Muller 2017, Nambuba 2016, Parisien-La Salle 2022). This variant is absent from the Genome Aggregation Database (v2.1.1), indicating it is not a common polymorphism. Immunohistochemical staining of tumor samples derived from affected individuals carrying c.268-2A>G variant show absence of fumarate hydratase (Nambuba 2016). This variant disrupts the canonical splice acceptor site of intron 2, which is likely to negatively impact gene function. Based on available information, this variant is considered to be likely pathogenic. References: Alam NA et al. Genetic and functional analyses of FH mutations in multiple cutaneous and uterine leiomyomatosis, hereditary leiomyomatosis and renal cancer, and fumarate hydratase deficiency. Hum Mol Genet. 2003 Jun 1. PMID: 12761039 Castro-Vega LJ et al. Germline mutations in FH confer predisposition to malignant pheochromocytomas and paragangliomas. Hum Mol Genet. 2014 May 1. PMID: 24334767 Muller M et al. Reassessing the clinical spectrum associated with hereditary leiomyomatosis and renal cell carcinoma syndrome in French FH mutation carriers. Clin Genet. 2017 Dec. PMID: 28300276 Nambuba J et al. Functional Imaging Experience in a Germline Fumarate Hydratase Mutationâ€“Positive Patient With Pheochromocytoma and Paraganglioma. AACE Clinical Case Reports. 2016 2016/06/01/. Parisien-La Salle S et al. Genetic spectrum in a Canadian cohort of apparently sporadic pheochromocytomas and paragangliomas: New data on multigene panel retesting over time. Clin Endocrinol (Oxf). 2022 Jun. PMID: 34750850

Natera, Inc.
Classification: Likely pathogenic for Fumarase Deficiency. Last evaluated: 2024-09-26. Review status: criteria provided, single submitter. Criteria: Natera Variant Classification Schema (03/2026). Collection method: clinical testing. Allele origin: germline.
Comment: The c.268-2A>G variant in FH is a canonical splice acceptor site variant predicted to affect pre-mRNA splicing, which may result in an abnormal transcript and altered protein product. This variant is expected to result in nonsense mediated decay, truncation, or a dysfunctional protein product. This variant is rare in the general population with a frequency below the threshold expected for the associated phenotype(s). This variant has been observed in one or more individuals affected with the associated recessive disease, as either homozygous or compound heterozygous with a second variant (PMID: 12761039). Given the available evidence, this variant is classified as Likely Pathogenic.

Myriad Genetics, Inc.
Classification: Likely pathogenic for Hereditary leiomyomatosis and renal cell cancer. Last evaluated: 2023-07-05. Review status: criteria provided, single submitter. Criteria: Myriad Autosomal Dominant, Autosomal Recessive and X-Linked Classification Criteria (2023). Collection method: clinical testing. Allele origin: unknown.
Comment: This variant is considered likely pathogenic. This variant occurs within a consensus splice junction and is predicted to result in abnormal mRNA splicing of either an out-of-frame exon or an in-frame exon necessary for protein stability and/or normal function.

GeneDx
Classification: Pathogenic. Last evaluated: 2015-06-09. Review status: criteria provided, single submitter. Criteria: GeneDx Variant Classification (06012015). Collection method: clinical testing. Allele origin: germline. Affected: yes.
Comment: The c.268-2 A>G variant has been reported in a patient belonging to a cohort diagnosed with malignantpheochromocytoma (PCC) and paraganglioma (PGL) (Castro-Vega et al. 2014). The c.268-2 A>G splice sitevariant in the FH gene destroys the canonical splice acceptor site in intron 2. It is predicted to causeabnormal gene splicing, either leading to an abnormal message that is subject to nonsense-mediated mRNAdecay, or to an abnormal protein product if the message is used for protein translation. The c.268-2 A>Gvariant was not observed in approximately 6,500 individuals of European and African American ancestry inthe NHLBI Exome Sequencing Project, indicating it is not a common benign variant in these populations. Therefore, we interpret the c.268-2 A>G variant as pathogenic.

Literature cited by the submitters: PubMed 12761039 (cited by 4 submitters); PubMed 24334767 (cited by 3 submitters); PubMed 28300276 (cited by 3 submitters); PubMed 34750850 (cited by Ambry Genetics and Quest Diagnostics Nichols Institute San Juan Capistrano); PubMed 21398687 (cited by Quest Diagnostics Nichols Institute San Juan Capistrano and Labcorp Genetics (formerly Invitae), Labcorp); PubMed 16199547 (cited by Quest Diagnostics Nichols Institute San Juan Capistrano and Labcorp Genetics (formerly Invitae), Labcorp); PubMed 11865300 (cited by Quest Diagnostics Nichols Institute San Juan Capistrano and Labcorp Genetics (formerly Invitae), Labcorp); PubMed 25004247 (cited by Quest Diagnostics Nichols Institute San Juan Capistrano); PubMed 35821608 (cited by Quest Diagnostics Nichols Institute San Juan Capistrano).